The following is an entry in ClinVar:

NM_004525.3(LRP2):c.13650G>C (p.Lys4550Asn)

Gene: LRP2 (LDL receptor related protein 2; minus strand). Cytogenetic location: 2q31.1.
Variant type: single nucleotide variant.
Coding change: c.13650G>C on transcript NM_004525.3 (MANE Select); coding-DNA position 13650, G replaced by C.
Protein change: p.Lys4550Asn; replaces lysine 4550 with asparagine.
Molecular consequence: missense variant.
Genome position (GRCh38, 1-based): chr2:169,132,652, C>G on the plus strand (G>C on the coding strand, the complement: LRP2 is on the minus strand). VCF-style: chr2-169132652-C-G. GRCh37 (hg19) VCF-style: chr2-169989162-C-G.
Other names: short protein forms K4550N.
Identifiers: ClinVar variation 1488427 (VCV001488427.6), dbSNP rs1160377420, ClinGen allele CA349150984.
Genomic context (GRCh38, chr2:169,132,652, plus strand): 5'-TGGTGAAGTTGGGTTTGTCTCTGGAACTATCTCAGAAGGGTTTATGGGACTTCCATAATT[C>G]TTATTATCCACATTTTCAGATACAGTCACCTGTGGACATGTTAAAGGCCTTTACCCAATT-3'
Protein context (NP_004516.2, residues 4540-4560): QVTVSENVDN[Lys4550Asn]NYGSPINPSE

ClinVar aggregate classification (germline): Uncertain significance. Review status: criteria provided, multiple submitters, no conflicts (2 of 4 stars). 2 submissions from 2 submitters: Uncertain significance (2). Last evaluated 2024-04-30.

Conditions:
Donnai-Barrow syndrome. Also called: DBS/FOAR SYNDROME; FACIOOCULOACOUSTICORENAL SYNDROME. Identifiers: Orphanet 2143, MedGen C1857277, MONDO:0009104, OMIM 222448.

Submissions (2):

Fulgent Genetics
Classification: Uncertain significance for Donnai-Barrow syndrome. Last evaluated: 2024-04-30. Review status: criteria provided, single submitter. Criteria: ACMG Guidelines, 2015. Collection method: clinical testing. Allele origin: germline.

Labcorp Genetics (formerly Invitae), Labcorp
Classification: Uncertain significance. Last evaluated: 2022-09-07. Review status: criteria provided, single submitter. Criteria: Invitae Variant Classification Sherloc (09022015). Collection method: clinical testing. Allele origin: germline.
Comment: This sequence change replaces lysine, which is basic and polar, with asparagine, which is neutral and polar, at codon 4550 of the LRP2 protein (p.Lys4550Asn). This variant is not present in population databases (gnomAD no frequency). This variant has not been reported in the literature in individuals affected with LRP2-related conditions. ClinVar contains an entry for this variant (Variation ID: 1488427). Advanced modeling of protein sequence and biophysical properties (such as structural, functional, and spatial information, amino acid conservation, physicochemical variation, residue mobility, and thermodynamic stability) performed at Invitae indicates that this missense variant is not expected to disrupt LRP2 protein function. In summary, the available evidence is currently insufficient to determine the role of this variant in disease. Therefore, it has been classified as a Variant of Uncertain Significance.